The following is an entry in ClinVar:

NM_000064.4(C3):c.4922A>G (p.Glu1641Gly)

Gene: C3 (complement C3; minus strand). Cytogenetic location: 19p13.3.
Variant type: single nucleotide variant.
Coding change: c.4922A>G on transcript NM_000064.4 (MANE Select); coding-DNA position 4922, A replaced by G.
Protein change: p.Glu1641Gly; replaces glutamic acid 1641 with glycine.
Molecular consequence: missense variant.
Genome position (GRCh38, 1-based): chr19:6,677,952, T>C on the plus strand (A>G on the coding strand, the complement: C3 is on the minus strand). VCF-style: chr19-6677952-T-C. GRCh37 (hg19) VCF-style: chr19-6677963-T-C.
Other names: short protein forms E1641G.
Identifiers: ClinVar variation 2046254 (VCV002046254.4), dbSNP rs34370481, ClinGen allele CA9128197.

ClinVar aggregate classification (germline): Uncertain significance (1 of 4 stars; one submission).

Allele frequency attached by ClinVar (database versions not stated): ExAC 0.00003; gnomAD 0.00004; TOPMed 0.00004; gnomAD exomes 0.00007; ESP Exome Variant Server 0.00008.
gnomAD v4.1: 122 of 1,614,020 alleles (0.0076%); highest among the groups gnomAD compares: Non-Finnish European, 0.0093%; no homozygotes.

Submission:

Labcorp Genetics (formerly Invitae), Labcorp
Classification: Uncertain significance. Last evaluated: 2025-11-03. Review status: criteria provided, single submitter. Criteria: Invitae Variant Classification Sherloc (09022015). Collection method: clinical testing. Allele origin: germline.
Comment: This sequence change replaces glutamic acid, which is acidic and polar, with glycine, which is neutral and non-polar, at codon 1641 of the C3 protein (p.Glu1641Gly). This variant is present in population databases (rs34370481, gnomAD 0.009%). This variant has not been reported in the literature in individuals affected with C3-related conditions. ClinVar contains an entry for this variant (Variation ID: 2046254). An algorithm developed to predict the effect of missense changes on protein structure and function (PolyPhen-2) suggests that this variant is likely to be tolerated. In summary, the available evidence is currently insufficient to determine the role of this variant in disease. Therefore, it has been classified as a Variant of Uncertain Significance.